The following is an entry in ClinVar:

NM_002303.6(LEPR):c.1960A>G (p.Met654Val)

Gene: LEPR (leptin receptor; plus strand). Cytogenetic location: 1p31.3.
Variant type: single nucleotide variant.
Coding change: c.1960A>G on transcript NM_002303.6 (MANE Select); coding-DNA position 1960, A replaced by G.
Protein change: p.Met654Val; replaces methionine 654 with valine.
Molecular consequence: missense variant.
Genome position (GRCh38, 1-based): chr1:65,610,261, A>G. VCF-style: chr1-65610261-A-G. GRCh37 (hg19) VCF-style: chr1-66075944-A-G.
Other names: c.1960A>G, p.Met654Val (NM_001003679.3, NM_001003680.3, NM_001198687.2 and 2 more transcripts); short protein forms M654V.
Identifiers: ClinVar variation 3348384 (VCV003348384.1).
Genomic context (GRCh38, chr1:65,610,261, plus strand): 5'-TGTCATTTTGCAGTTCCTATGAGAGGACCTGAATTTTGGAGAATAATTAATGGAGATACT[A>G]TGAAAAAGGAGAAAAATGTCACTTTACTTTGGAAGGTATTCCCAATTTTAATATTAATCT-3'
Protein context (NP_002294.2, residues 644-664): EFWRIINGDT[Met654Val]KKEKNVTLLW

ClinVar aggregate classification (germline): Uncertain significance (0 of 4 stars; one submission).

Conditions:
LEPR-related disorder. Also called: LEPR-related condition; LEPR-related disorders.

gnomAD v4.1: 4 of 1,613,782 alleles (0.00025%); highest among the groups gnomAD compares: South Asian, 0.0033%; no homozygotes.

Submission:

PreventionGenetics, part of Exact Sciences
Classification: Uncertain significance for LEPR-related condition. Last evaluated: 2023-12-19. Review status: no assertion criteria provided. Collection method: clinical testing. Allele origin: germline.
Comment: The LEPR c.1960A>G variant is predicted to result in the amino acid substitution p.Met654Val. Other variants impacting this same amino acid were observed in a cohort of individuals with obesity (p.Met654Leu, p.Met654Lys, p.Met654Arg, and p.Met654Thr), and in vitro functional studies showed function similar to wild-type levels for this variant and other variants impacting this same amino acid (p.Met654Leu, p.Met654Ile, p.Met654Lys, p.Met654Arg, p.Met654Thr, and p.Met654Val, Supplemental Data Set, Shah et al. 2023. PubMed ID: 36864747). To our knowledge, this variant has not been reported in a large population database, indicating this variant is rare. At this time, the clinical significance of this variant is uncertain due to the absence of conclusive functional and genetic evidence.